The following is an entry in ClinVar:

NM_144687.4(NLRP12):c.2078A>G (p.Glu693Gly)

Gene: NLRP12 (NLR family pyrin domain containing 12; minus strand). Cytogenetic location: 19q13.42.
Variant type: single nucleotide variant.
Coding change: c.2078A>G on transcript NM_144687.4 (MANE Select); coding-DNA position 2078, A replaced by G.
Protein change: p.Glu693Gly; replaces glutamic acid 693 with glycine.
Molecular consequence: missense variant.
Genome position (GRCh38, 1-based): chr19:53,807,660, T>C on the plus strand (A>G on the coding strand, the complement: NLRP12 is on the minus strand). VCF-style: chr19-53807660-T-C. GRCh37 (hg19) VCF-style: chr19-54310914-T-C.
Other names: c.2081A>G, p.Glu694Gly (NM_001277126.2); c.2078A>G, p.Glu693Gly (NM_001277129.1); short protein forms E693G, E694G.
Identifiers: ClinVar variation 959001 (VCV000959001.9), dbSNP rs1283877231, ClinGen allele CA407411454.

ClinVar aggregate classification (germline): Uncertain significance (1 of 4 stars; one submission).

Conditions:
Familial cold autoinflammatory syndrome 2 (FCAS2). Identifiers: Orphanet 247868, MedGen C2673198, MONDO:0012724, OMIM 611762.

Allele frequency attached by ClinVar (database versions not stated): TOPMed below 0.00001.

Submission:

Labcorp Genetics (formerly Invitae), Labcorp
Classification: Uncertain significance for Familial cold autoinflammatory syndrome 2. Last evaluated: 2025-02-24. Review status: criteria provided, single submitter. Criteria: Invitae Variant Classification Sherloc (09022015). Collection method: clinical testing. Allele origin: germline.
Comment: This sequence change replaces glutamic acid, which is acidic and polar, with glycine, which is neutral and non-polar, at codon 693 of the NLRP12 protein (p.Glu693Gly). This variant is not present in population databases (gnomAD no frequency). This variant has not been reported in the literature in individuals affected with NLRP12-related conditions. ClinVar contains an entry for this variant (Variation ID: 959001). An algorithm developed to predict the effect of missense changes on protein structure and function (PolyPhen-2) suggests that this variant is likely to be disruptive. In summary, the available evidence is currently insufficient to determine the role of this variant in disease. Therefore, it has been classified as a Variant of Uncertain Significance.